The following is an entry in ClinVar:

NM_001966.4(EHHADH):c.*8T>C

Gene: EHHADH (enoyl-CoA hydratase and 3-hydroxyacyl CoA dehydrogenase; minus strand). Cytogenetic location: 3q27.2.
Variant type: single nucleotide variant.
Coding change: c.*8T>C on transcript NM_001966.4 (MANE Select); 8 bases downstream of the stop codon, T replaced by C.
Molecular consequence: 3 prime UTR variant.
Genome position (GRCh38, 1-based): chr3:185,192,218, A>G on the plus strand (T>C on the coding strand, the complement: EHHADH is on the minus strand). VCF-style: chr3-185192218-A-G. GRCh37 (hg19) VCF-style: chr3-184910006-A-G.
Other names: c.*8T>C (NM_001166415.2, NM_001966.3).
Identifiers: ClinVar variation 500780 (VCV000500780.6), dbSNP rs377084851, ClinGen allele CA2738836.

ClinVar aggregate classification (germline): Conflicting classifications of pathogenicity. Review status: criteria provided, conflicting classifications (1 of 4 stars). 2 submissions from 2 submitters: Uncertain significance (1); Likely benign (1). Last evaluated 2026-05-12.

Conditions:
EHHADH-related disorder. Also called: EHHADH-related condition.

Allele frequency attached by ClinVar (database versions not stated): gnomAD 0.00002; TOPMed 0.00003; gnomAD exomes 0.00005 and 0.00009; ExAC 0.00006; ESP Exome Variant Server 0.00023.
gnomAD v4.1: 133 of 1,607,816 alleles (0.0083%); highest among the groups gnomAD compares: Non-Finnish European, 0.011%; no homozygotes.

Submissions (2):

PreventionGenetics, part of Exact Sciences
Classification: Likely benign for EHHADH-related condition. Last evaluated: 2026-05-12. Review status: criteria provided, single submitter. Criteria: ACMG Guidelines, 2015. Collection method: clinical testing. Allele origin: germline.
Comment: This variant is classified as likely benign based on ACMG/AMP sequence variant interpretation guidelines (Richards et al. 2015 PMID: 25741868, with internal and published modifications).

Eurofins Ntd Llc (ga)
Classification: Uncertain significance. Last evaluated: 2018-08-30. Review status: criteria provided, single submitter. Criteria: EGL ClinVar v180209 classification definitions. Collection method: clinical testing. Allele origin: germline. Observed: 2 variant alleles, 2 heterozygotes.